The following is an entry in ClinVar:

ClinVar aggregate classification (germline): Likely pathogenic. Review status: criteria provided, multiple submitters, no conflicts (2 of 4 stars). 2 submissions from 2 submitters: Likely pathogenic (2). Last evaluated 2025-12-18.

Conditions:
Fraser syndrome 2 (FRASRS2). Identifiers: MedGen C4540036, MONDO:0054738, OMIM 617666.

gnomAD v4.1: 3 of 1,614,028 alleles (0.00019%); highest among the groups gnomAD compares: East Asian, 0.0022%; no homozygotes.

Submissions (2):

Department of Molecular Genetics, Istishari Arab Hospital
Classification: Likely pathogenic for Fraser syndrome 2. Last evaluated: 2025-12-18. Review status: criteria provided, single submitter. Criteria: ACMG Guidelines, 2015. Collection method: clinical testing. Allele origin: germline. Inheritance: Autosomal recessive inheritance. Affected: yes.
Comment: The FREM2 variant c.1912C>T, p.Arg638*creates a premature stop codon at position 638. This stop-gained (nonsense) variant is predicted to result in a loss or disruption of normal protein function through nonsense-mediated decay (NMD) or protein truncation. This variant is observed with very low frequency in the gnomAD v4.1.0 dataset (<0.001) and has not been previously described in the literature. It is classified as likely pathogenic according to the recommendations of ACMG/AMP/ClinGen SVI guidelines.

MVZ Medizinische Genetik Mainz
Classification: Likely pathogenic for Fraser syndrome 2. Last evaluated: 2025-06-12. Review status: criteria provided, single submitter. Criteria: UK Practice Guidelines For Variant Classification V4 01 2020. Collection method: clinical testing. Allele origin: germline. Inheritance: Autosomal recessive inheritance. Affected: yes. Observed: 1 variant allele.
Comment: ACMG Criteria: PVS1,PM2_SUP

NM_207361.6(FREM2):c.1912C>T (p.Arg638Ter)

Gene: FREM2 (FRAS1 related extracellular matrix 2; plus strand). Cytogenetic location: 13q13.3.
Variant type: single nucleotide variant.
Coding change: c.1912C>T on transcript NM_207361.6 (MANE Select); coding-DNA position 1912, C replaced by T.
Protein change: p.Arg638Ter; replaces arginine 638 with a stop codon.
Molecular consequence: nonsense.
Genome position (GRCh38, 1-based): chr13:38,689,256, C>T. VCF-style: chr13-38689256-C-T. GRCh37 (hg19) VCF-style: chr13-39263393-C-T.
Other names: p.Arg638*; short protein forms R638*.
Identifiers: ClinVar variation 3907667 (VCV003907667.2).
Genomic context (GRCh38, chr13:38,689,256, plus strand): 5'-CCCCATGAGAAGCAGGAACTTCTCAGAGGCCTTTGGAGGAAGGAGGGGGCATTTTATGAG[C>T]GAACAGTGACAGAGTGGCAGCAGCAGGACATAACAGAGGGCAGGCTGTTCTATAGACACT-3'